The following is an entry in ClinVar:

ClinVar aggregate classification (germline): Uncertain significance (1 of 4 stars; one submission).

Conditions:
Aicardi-Goutieres syndrome 4. Identifiers: Orphanet 51, MedGen C1835912, MONDO:0012472, OMIM 610333.

Allele frequency attached by ClinVar (database versions not stated): gnomAD exomes below 0.00001; gnomAD 0.00001; TOPMed 0.00001.
gnomAD v4.1: 3 of 1,614,092 alleles (0.00019%); highest among the groups gnomAD compares: African/African-American, 0.004%; no homozygotes.

Submission:

Labcorp Genetics (formerly Invitae), Labcorp
Classification: Uncertain significance for Aicardi-Goutieres syndrome 4. Last evaluated: 2021-12-24. Review status: criteria provided, single submitter. Criteria: Invitae Variant Classification Sherloc (09022015). Collection method: clinical testing. Allele origin: germline.
Comment: This sequence change replaces threonine, which is neutral and polar, with isoleucine, which is neutral and non-polar, at codon 120 of the RNASEH2A protein (p.Thr120Ile). This variant is present in population databases (no rsID available, gnomAD 0.01%). This variant has not been reported in the literature in individuals affected with RNASEH2A-related conditions. Algorithms developed to predict the effect of missense changes on protein structure and function are either unavailable or do not agree on the potential impact of this missense change (SIFT: "Deleterious"; PolyPhen-2: "Probably Damaging"; Align-GVGD: "Class C0"). In summary, the available evidence is currently insufficient to determine the role of this variant in disease. Therefore, it has been classified as a Variant of Uncertain Significance.

NM_006397.3(RNASEH2A):c.359C>T (p.Thr120Ile)

Gene: RNASEH2A (ribonuclease H2 subunit A; plus strand). Cytogenetic location: 19p13.13.
Variant type: single nucleotide variant.
Coding change: c.359C>T on transcript NM_006397.3 (MANE Select); coding-DNA position 359, C replaced by T.
Protein change: p.Thr120Ile; replaces threonine 120 with isoleucine.
Molecular consequence: missense variant.
Genome position (GRCh38, 1-based): chr19:12,807,454, C>T. VCF-style: chr19-12807454-C-T. GRCh37 (hg19) VCF-style: chr19-12918268-C-T.
Other names: short protein forms T120I.
Identifiers: ClinVar variation 2191558 (VCV002191558.1), dbSNP rs1288755006, ClinGen allele CA404265893.
Genomic context (GRCh38, chr19:12,807,454, plus strand): 5'-AACTGGGCTCTGTTCCCCACCACAGGGTCAAATACAACCTGAACTCCCTGTCACATGATA[C>T]AGCCACTGGGCTTATACAGTATGCATTGGACCAGGGCGTGAACGTCACCCAGGTGAGTTA-3'
Protein context (NP_006388.2, residues 110-130): KYNLNSLSHD[Thr120Ile]ATGLIQYALD